The following is an entry in ClinVar:

NM_000488.4(SERPINC1):c.1247dup (p.Ser417fs)

Gene: SERPINC1 (serpin family C member 1; minus strand). Cytogenetic location: 1q25.1.
Variant type: Duplication.
Coding change: c.1247dup on transcript NM_000488.4 (MANE Select); coding-DNA position 1247, one base duplicated (C; older notation c.1247dupC).
Protein change: p.Ser417fs; shifts the reading frame from serine 417.
Molecular consequence: frameshift variant.
Genome position (GRCh38, 1-based): chr1:173,904,037, G duplicated on the plus strand (C on the coding strand, the reverse complement: SERPINC1 is on the minus strand). VCF-style (leftmost placement, unchanged base first): chr1-173904036-T-TG. GRCh37 (hg19) VCF-style: chr1-173873174-T-TG.
Other names: NM_000488.4(SERPINC1):c.1247dup; p.Ser417fs; c.1103dup, p.Ser369fs (NM_001365052.2); c.1370dup, p.Ser458fs (NM_001386302.1); c.1328dup, p.Ser444fs (NM_001386303.1); c.1226dup, p.Ser410fs (NM_001386304.1); c.1190dup, p.Ser398fs (NM_001386305.1); c.1031dup, p.Ser345fs (NM_001386306.1); short protein forms S345fs, S369fs, S398fs, S410fs, S417fs, S444fs, S458fs.
Identifiers: ClinVar variation 1687103 (VCV001687103.3), dbSNP rs2526543302, ClinGen allele CA2580061383.

ClinVar aggregate classification (germline): Uncertain significance. Review status: reviewed by expert panel (3 of 4 stars). 2 submissions from 2 submitters: Uncertain significance (1). 1 of the submissions does not count toward it. Last evaluated 2024-12-20.

Conditions:
Hereditary antithrombin deficiency (AT3D). Also called: Reduced antithrombin III activity; Antithrombin III deficiency; Thrombophilia due to antithrombin III deficiency; Antithrombin deficiency. Identifiers: Orphanet 82, MedGen C0272375, MONDO:0013144, OMIM 613118, HP:0001976.

Submissions (2):

Clingen Thrombosis Variant Curation Expert Panel, ClinGen
Classification: Uncertain significance for Hereditary antithrombin deficiency. Last evaluated: 2024-12-20. Review status: reviewed by expert panel. Criteria: ClinGen ACMG Specifications SERPINC1 V1.0.0. Collection method: curation. Allele origin: germline. Inheritance: Autosomal dominant inheritance.
Comment: The c.1247dup (p.Ser417LysfsTer?) variant in SERPINC1 is a frameshift variant that may cause loss of function of the protein, however it is predicted to escape nonsense mediated decay and remove <10% of the protein (PVS1_Moderate). This variant has been reported in at least one family meeting an antithrombin activity level of < 0.8 IU/mL and a family history of the disease with reported antithrombin levels (PS4_Supporting; PMID: 38347553). More affected individuals without the details required for scoring were reported in ClinVar (SCV002520629.1). This variant is absent from gnomAD v4.1.0 (PM2_Supporting). In summary, this variant meets the criteria to be classified as uncertain significance due to insufficient evidence for autosomal dominant hereditary antithrombin deficiency based on the ACMG/AMP criteria applied, as specified by the ClinGen Thrombosis VCEP: PVS1_moderate, PM2_supporting, PS4_supporting.

Laboratory for Immunogenetics and Molecular Haemostaseology, Universitaetsklinikum Erlangen
Classification: Likely pathogenic for Hereditary antithrombin deficiency. Last evaluated: 2022-04-14. Review status: no assertion criteria provided. Collection method: clinical testing. Allele origin: inherited. Inheritance: Autosomal dominant inheritance. Affected: yes. Observed: 2 heterozygotes. Not counted in ClinVar's aggregate classification.